The following is an entry in ClinVar:

NM_181882.3(PRX):c.1168del (p.Arg390fs)

Gene: PRX (periaxin; minus strand). Cytogenetic location: 19q13.2.
Variant type: Deletion.
Coding change: c.1168del on transcript NM_181882.3 (MANE Select); coding-DNA position 1168, one base deleted (A; older notation c.1168delA).
Protein change: p.Arg390fs; shifts the reading frame from arginine 390.
Molecular consequence: frameshift variant. On other transcripts: 3 prime UTR variant (1).
Genome position (GRCh38, 1-based): chr19:40,397,184, T deleted on the plus strand (A on the coding strand, the reverse complement: PRX is on the minus strand). VCF-style (leftmost placement, unchanged base first): chr19-40397183-CT-C. GRCh37 (hg19) VCF-style: chr19-40903090-CT-C.
Other names: c.1453del, p.Arg485fs (NM_001411127.1); c.*1373del (NM_020956.2); short protein forms R390fs, R485fs.
Identifiers: ClinVar variation 3060444 (VCV003060444.2), dbSNP rs2514807382, ClinGen allele CA2740096915.

ClinVar aggregate classification (germline): Likely pathogenic (0 of 4 stars; one submission).

Conditions:
PRX-related disorder. Also called: PRX-Related Disorders; PRX-related condition.

Submission:

PreventionGenetics, part of Exact Sciences
Classification: Likely pathogenic for PRX-related condition. Last evaluated: 2024-01-03. Review status: no assertion criteria provided. Collection method: clinical testing. Allele origin: germline.
Comment: The PRX c.1168delA variant is predicted to result in a frameshift and premature protein termination (p.Arg390Aspfs*22). To our knowledge, this variant has not been reported in the literature or in a large population database, indicating this variant is rare. Frameshift variants in PRX are expected to be pathogenic. This variant is interpreted as likely pathogenic.